The following is an entry in ClinVar:

ClinVar aggregate classification (germline): Conflicting classifications of pathogenicity. Review status: criteria provided, conflicting classifications (1 of 4 stars). 4 submissions from 4 submitters: Uncertain significance (2); Benign (2). Last evaluated 2026-03-09.

Conditions:
Hereditary cancer-predisposing syndrome. Also called: Neoplastic Syndromes, Hereditary; Tumor predisposition; Hereditary neoplastic syndrome; Hereditary Cancer Syndrome. Identifiers: Orphanet 140162, MedGen C0027672, MeSH D009386, MONDO:0015356.
Tuberous sclerosis syndrome (TSC). Also called: Tuberous Sclerosis Complex; Tuberous sclerosis. Identifiers: Orphanet 805, MedGen C0041341, MONDO:0001734.
Tuberous sclerosis 1 (TSC1). Identifiers: Orphanet 805, MedGen C1854465, MONDO:0008612, OMIM 191100.
Lymphangiomyomatosis (LAM). Also called: Lymphangioleiomyomatosis, somatic; Lymphangioleiomyomatosis. Identifiers: Orphanet 538, MedGen C0751674, MONDO:0011705, OMIM 606690.
Isolated focal cortical dysplasia type II (FCORD2). Also called: CORTICAL DYSPLASIA OF TAYLOR; Focal cortical dysplasia type II. Identifiers: Orphanet 268994, MedGen C1846385, MONDO:0011818, OMIM 607341, HP:0032051.

Allele frequency attached by ClinVar (database versions not stated): gnomAD exomes below 0.00001; gnomAD 0.00001; TOPMed 0.00001.
gnomAD v4.1: 4 of 1,613,826 alleles (0.00025%); highest among the groups gnomAD compares: Non-Finnish European, 0.00034%; no homozygotes.

Submissions (4):

Ambry Genetics
Classification: Benign for Hereditary cancer-predisposing syndrome. Last evaluated: 2026-03-09. Review status: criteria provided, single submitter. Criteria: Ambry Variant Classification Scheme 2023. Collection method: clinical testing. Allele origin: germline.

Labcorp Genetics (formerly Invitae), Labcorp
Classification: Benign for Tuberous sclerosis 1. Last evaluated: 2025-12-26. Review status: criteria provided, single submitter. Criteria: Invitae Variant Classification Sherloc (09022015). Collection method: clinical testing. Allele origin: germline.

Color Diagnostics, LLC DBA Color Health
Classification: Uncertain significance for Tuberous sclerosis syndrome. Last evaluated: 2025-06-20. Review status: criteria provided, single submitter. Criteria: ACMG Guidelines, 2015. Collection method: clinical testing. Allele origin: germline.
Comment: This missense variant replaces threonine with alanine at codon 44 of the TSC1 protein. Computational prediction suggests that this variant may not impact protein structure and function. To our knowledge, functional studies have not been reported for this variant. This variant has not been reported in individuals affected with TSC1-related disorders in the literature. This variant has been identified in 1/251226 chromosomes in the general population by the Genome Aggregation Database (gnomAD). The available evidence is insufficient to determine the role of this variant in disease conclusively. Therefore, this variant is classified as a Variant of Uncertain Significance.

Fulgent Genetics
Classification: Uncertain significance for Tuberous sclerosis 1; Lymphangiomyomatosis; Isolated focal cortical dysplasia type II. Last evaluated: 2024-03-02. Review status: criteria provided, single submitter. Criteria: ACMG Guidelines, 2015. Collection method: clinical testing. Allele origin: germline.

NM_000368.5(TSC1):c.130A>G (p.Thr44Ala)

Gene: TSC1 (TSC complex subunit 1; minus strand). Cytogenetic location: 9q34.13.
Variant type: single nucleotide variant.
Coding change: c.130A>G on transcript NM_000368.5 (MANE Select); coding-DNA position 130, A replaced by G.
Protein change: p.Thr44Ala; replaces threonine 44 with alanine.
Molecular consequence: missense variant. On other transcripts: intron variant (1).
Genome position (GRCh38, 1-based): chr9:132,927,281, T>C on the plus strand (A>G on the coding strand, the complement: TSC1 is on the minus strand). VCF-style: chr9-132927281-T-C. GRCh37 (hg19) VCF-style: chr9-135802668-T-C.
Other names: c.130A>G, p.Thr44Ala (NM_001162426.2, NM_001162427.2); c.-154+1486A>G (NM_001362177.2); short protein forms T44A.
Identifiers: ClinVar variation 466023 (VCV000466023.17), dbSNP rs1399266964, ClinGen allele CA375375194.